The following is an entry in ClinVar:

NM_001363118.2(SLC52A2):c.563T>G (p.Leu188Arg)

Gene: SLC52A2 (solute carrier family 52 member 2; plus strand). Cytogenetic location: 8q24.3.
Variant type: single nucleotide variant.
Coding change: c.563T>G on transcript NM_001363118.2 (MANE Select); coding-DNA position 563, T replaced by G.
Protein change: p.Leu188Arg; replaces leucine 188 with arginine.
Molecular consequence: missense variant. On other transcripts: non-coding transcript variant (1), intron variant (1).
Genome position (GRCh38, 1-based): chr8:144,360,055, T>G. VCF-style: chr8-144360055-T-G. GRCh37 (hg19) VCF-style: chr8-145583715-T-G.
Other names: c.563T>G, p.Leu188Arg (NM_001253815.2, NM_001253816.2, NM_001363120.2 and 2 more transcripts); c.131-60T>G (NM_001363122.2); short protein forms L188R.
Identifiers: ClinVar variation 1508640 (VCV001508640.6), dbSNP rs2130642434, ClinGen allele CA372627408.

ClinVar aggregate classification (germline): Uncertain significance (1 of 4 stars; one submission).

Conditions:
Brown-Vialetto-van Laere syndrome 2. Also called: Riboflavin transporter deficiency type 2; SPINOCEREBELLAR ATAXIA WITH BLINDNESS AND DEAFNESS 2. Identifiers: Orphanet 572543, Orphanet 97229, MedGen C3553538, MONDO:0013867, OMIM 614707.

Submission:

Labcorp Genetics (formerly Invitae), Labcorp
Classification: Uncertain significance for Brown-Vialetto-van Laere syndrome 2. Last evaluated: 2021-10-03. Review status: criteria provided, single submitter. Criteria: Invitae Variant Classification Sherloc (09022015). Collection method: clinical testing. Allele origin: germline.
Comment: In summary, the available evidence is currently insufficient to determine the role of this variant in disease. Therefore, it has been classified as a Variant of Uncertain Significance. Algorithms developed to predict the effect of sequence changes on RNA splicing suggest that this variant may create or strengthen a splice site. Advanced modeling of protein sequence and biophysical properties (such as structural, functional, and spatial information, amino acid conservation, physicochemical variation, residue mobility, and thermodynamic stability) performed at Invitae indicates that this missense variant is not expected to disrupt SLC52A2 protein function. This variant has not been reported in the literature in individuals affected with SLC52A2-related conditions. This variant is not present in population databases (ExAC no frequency). This sequence change replaces leucine with arginine at codon 188 of the SLC52A2 protein (p.Leu188Arg). The leucine residue is weakly conserved and there is a moderate physicochemical difference between leucine and arginine.